The following is an entry in ClinVar:

NM_016203.4(PRKAG2):c.1394A>G (p.Glu465Gly)

Gene: PRKAG2 (protein kinase AMP-activated non-catalytic subunit gamma 2; minus strand). Cytogenetic location: 7q36.1.
Variant type: single nucleotide variant.
Coding change: c.1394A>G on transcript NM_016203.4 (MANE Select); coding-DNA position 1394, A replaced by G.
Protein change: p.Glu465Gly; replaces glutamic acid 465 with glycine.
Molecular consequence: missense variant.
Genome position (GRCh38, 1-based): chr7:151,565,725, T>C on the plus strand (A>G on the coding strand, the complement: PRKAG2 is on the minus strand). VCF-style: chr7-151565725-T-C. GRCh37 (hg19) VCF-style: chr7-151262811-T-C.
Other names: c.1262A>G, p.Glu421Gly (NM_001040633.2, NM_001407024.1); c.1019A>G, p.Glu340Gly (NM_001304527.2, NM_001407029.1); c.671A>G, p.Glu224Gly (NM_001304531.2, NM_001407034.1, NM_001407035.1 and 1 more transcripts); c.1022A>G, p.Glu341Gly (NM_001363698.2, NM_001407028.1); c.1394A>G, p.Glu465Gly (NM_001407021.1); c.1391A>G, p.Glu464Gly (NM_001407022.1, NM_001407023.1); c.1259A>G, p.Glu420Gly (NM_001407026.1, NM_001407027.1); c.1106A>G, p.Glu369Gly (NM_001407030.1); and 6 more; short protein forms E341G, E359G, E420G, E465G, E244G, E340G, E421G, E464G.
Identifiers: ClinVar variation 2774162 (VCV002774162.2), dbSNP rs1472383441, ClinGen allele CA370070873.

ClinVar aggregate classification (germline): Uncertain significance (1 of 4 stars; one submission).

Conditions:
Cardiomyopathy (CMYO). Also called: Cardiomyopathies. Identifiers: Orphanet 167848, MedGen C0878544, MONDO:0004994, HP:0001638. Inheritance: Various modes of inheritance.

gnomAD v4.1: 1 of 1,613,464 alleles (0.000062%); highest among the groups gnomAD compares: Non-Finnish European, 0.000085%; no homozygotes.

Submission:

Color Diagnostics, LLC DBA Color Health
Classification: Uncertain significance for Cardiomyopathy. Last evaluated: 2024-03-06. Review status: criteria provided, single submitter. Criteria: ACMG Guidelines, 2015. Collection method: clinical testing. Allele origin: germline.
Comment: This missense variant replaces glutamic acid with glycine at codon 465 of the PRKAG2 protein. Computational prediction is inconclusive regarding the impact of this variant on protein structure and function (internally defined REVEL score threshold 0.5 < inconclusive < 0.7, PMID: 27666373). To our knowledge, functional studies have not been reported for this variant. This variant has not been reported in individuals affected with cardiovascular disorders in the literature. This variant has not been identified in the general population by the Genome Aggregation Database (gnomAD). The available evidence is insufficient to determine the role of this variant in disease conclusively. Therefore, this variant is classified as a Variant of Uncertain Significance.